The following is an entry in ClinVar:

ClinVar aggregate classification (germline): Uncertain significance (1 of 4 stars; one submission).

Conditions:
Landau-Kleffner syndrome (FESD). Also called: EPILEPSY, FOCAL, WITH SPEECH DISORDER AND WITH OR WITHOUT MENTAL RETARDATION; APHASIA, ACQUIRED, WITH EPILEPSY. Identifiers: Orphanet 1945, Orphanet 725, Orphanet 98818, MedGen C0282512, MONDO:0009509, OMIM 245570.

Submission:

Labcorp Genetics (formerly Invitae), Labcorp
Classification: Uncertain significance for Landau-Kleffner syndrome. Last evaluated: 2022-08-31. Review status: criteria provided, single submitter. Criteria: Invitae Variant Classification Sherloc (09022015). Collection method: clinical testing. Allele origin: germline.
Comment: Advanced modeling of protein sequence and biophysical properties (such as structural, functional, and spatial information, amino acid conservation, physicochemical variation, residue mobility, and thermodynamic stability) performed at Invitae indicates that this missense variant is expected to disrupt GRIN2A protein function. This sequence change replaces cysteine, which is neutral and slightly polar, with phenylalanine, which is neutral and non-polar, at codon 456 of the GRIN2A protein (p.Cys456Phe). This variant is not present in population databases (gnomAD no frequency). This variant has not been reported in the literature in individuals affected with GRIN2A-related conditions. ClinVar contains an entry for this variant (Variation ID: 1524109). In summary, the available evidence is currently insufficient to determine the role of this variant in disease. Therefore, it has been classified as a Variant of Uncertain Significance.

NM_001134407.3(GRIN2A):c.1367G>T (p.Cys456Phe)

Gene: GRIN2A (glutamate ionotropic receptor NMDA type subunit 2A; minus strand). Cytogenetic location: 16p13.2.
Variant type: single nucleotide variant.
Coding change: c.1367G>T on transcript NM_001134407.3 (MANE Select); coding-DNA position 1367, G replaced by T.
Protein change: p.Cys456Phe; replaces cysteine 456 with phenylalanine.
Molecular consequence: missense variant.
Genome position (GRCh38, 1-based): chr16:9,841,066, C>A on the plus strand (G>T on the coding strand, the complement: GRIN2A is on the minus strand). VCF-style: chr16-9841066-C-A. GRCh37 (hg19) VCF-style: chr16-9934923-C-A.
Other names: c.1367G>T, p.Cys456Phe (NM_000833.5, NM_001134408.2); short protein forms C456F.
Identifiers: ClinVar variation 1524109 (VCV001524109.8), dbSNP rs2141345759, ClinGen allele CA394800814.
Genomic context (GRCh38, chr16:9,841,066, plus strand): 5'-TCGTAAGTAAACTTCACAGTTCTGGAAAGCTTCTTCAGAATATCAATGCAGAACCCCTTG[C>A]AGCATTTCTTCACATTCATCCCCTCATTGGTTGAATTGCTGTAAAGAAAAACCCCAAGAC-3'
Protein context (NP_001127879.1, residues 446-466): TNEGMNVKKC[Cys456Phe]KGFCIDILKK